The following is an entry in ClinVar:

ClinVar aggregate classification (germline): Benign/Likely benign. Review status: criteria provided, multiple submitters, no conflicts (2 of 4 stars). 4 submissions from 4 submitters: Benign (2); Likely benign (1). 1 of the submissions does not count toward it. Last evaluated 2026-01-09.

Conditions:
PHKA2-related disorder. Also called: PHKA2-related condition.
Glycogen storage disease IXa1. Also called: LIVER GLYCOGENOSIS, X-LINKED, TYPE I; GLYCOGEN STORAGE DISEASE VIII; GSD VIII; Glycogen storage disease 8. Identifiers: Orphanet 264580, MedGen C3694531, MONDO:0010598, OMIM 306000.

Allele frequency attached by ClinVar (database versions not stated): gnomAD exomes 0.00010; ExAC 0.00042; gnomAD 0.00096; 1000 Genomes Project 30x 0.00104; TOPMed 0.00112; 1000 Genomes Project 0.00132; ESP Exome Variant Server 0.00218.
gnomAD v4.1: 228 of 1,159,202 alleles (0.02%); highest among the groups gnomAD compares: African/African-American, 0.35%; no homozygotes.

Submissions (4):

Labcorp Genetics (formerly Invitae), Labcorp
Classification: Benign for Glycogen storage disease IXa1. Last evaluated: 2026-01-09. Review status: criteria provided, single submitter. Criteria: Invitae Variant Classification Sherloc (09022015). Collection method: clinical testing. Allele origin: germline.

Mayo Clinic Laboratories, Mayo Clinic
Classification: Benign. Last evaluated: 2025-10-17. Review status: criteria provided, single submitter. Criteria: ACMG Guidelines, 2015. Collection method: clinical testing. Allele origin: germline. Observed: 1 variant allele.
Comment: BS1, BS2

CeGaT Center for Human Genetics Tuebingen
Classification: Likely benign. Last evaluated: 2022-05-01. Review status: criteria provided, single submitter. Criteria: CeGaT Center For Human Genetics Tuebingen Variant Classification Criteria Version 2. Collection method: clinical testing. Allele origin: germline. Affected: yes. Observed: 1 variant allele.
Comment: PHKA2: BP4, BS1

PreventionGenetics, part of Exact Sciences
Classification: Likely benign for PHKA2-related condition. Last evaluated: 2022-05-05. Review status: no assertion criteria provided. Collection method: clinical testing. Allele origin: germline. Not counted in ClinVar's aggregate classification.
Comment: This variant is classified as likely benign based on ACMG/AMP sequence variant interpretation guidelines (Richards et al. 2015 PMID: 25741868, with internal and published modifications).

NM_000292.3(PHKA2):c.2146A>G (p.Met716Val)

Gene: PHKA2 (phosphorylase kinase regulatory subunit alpha 2; minus strand). Cytogenetic location: Xp22.13.
Variant type: single nucleotide variant.
Coding change: c.2146A>G on transcript NM_000292.3 (MANE Select); coding-DNA position 2146, A replaced by G.
Protein change: p.Met716Val; replaces methionine 716 with valine.
Molecular consequence: missense variant.
Genome position (GRCh38, 1-based): chrX:18,910,952, T>C on the plus strand (A>G on the coding strand, the complement: PHKA2 is on the minus strand). VCF-style: chrX-18910952-T-C. GRCh37 (hg19) VCF-style: chrX-18929070-T-C.
Other names: p.Met716Val; c.2146A>G (NM_000292.2); short protein forms M716V.
Identifiers: ClinVar variation 2059148 (VCV002059148.30), dbSNP rs151174788, ClinGen allele CA10361705.
Genomic context (GRCh38, chrX:18,910,952, plus strand): 5'-GAGAATCAACAAGATTCAGTGATTTACGGTGGGCACTTAGAACTTTAGTCGGCAAAGTCA[T>C]GGGAACAACTGGAAAACAAAAGAATAAAGAGAGTTATTCTGAGGAGGAAGAACAACACTT-3'
Protein context (NP_000283.1, residues 706-726): AKGLEVPFVP[Met716Val]TLPTKVLSAH